The following is an entry in ClinVar:

NM_000138.5(FBN1):c.-182+1G>A

Gene: FBN1 (fibrillin 1; minus strand). Cytogenetic location: 15q21.1.
Variant type: single nucleotide variant.
Coding change: c.-182+1G>A on transcript NM_000138.5 (MANE Select); the canonical splice donor site of the intron after 182 bases upstream of the start codon, G replaced by A.
Molecular consequence: splice donor variant.
Genome position (GRCh38, 1-based): chr15:48,645,574, C>T on the plus strand (G>A on the coding strand, the complement: FBN1 is on the minus strand). VCF-style: chr15-48645574-C-T. GRCh37 (hg19) VCF-style: chr15-48937771-C-T.
Other names: c.-182+1G>A (NM_001406717.1, NM_001406718.1).
Identifiers: ClinVar variation 3769628 (VCV003769628.1).

ClinVar aggregate classification (germline): Uncertain significance (1 of 4 stars; one submission).

Conditions:
Marfan syndrome (MFS). Also called: MARFAN SYNDROME, TYPE I; Marfan syndrome type 1; Marfan's syndrome; Marfan syndrome, classic; FBN1-Related Marfan Syndrome. Identifiers: Orphanet 284963, Orphanet 558, MedGen C0024796, MONDO:0007947, OMIM 154700.

Submission:

Clinical and Biomedical Sciences, University of Exeter
Classification: Uncertain significance for Marfan syndrome. Last evaluated: 2025-02-28. Review status: criteria provided, single submitter. Criteria: ACMG Guidelines, 2015. Collection method: research. Allele origin: germline. Affected: yes. Study: 100,000 Genomes Project.
Comment: RT-PCR from blood shows the first exon is extended by 4bp consistent with prediction. This also introduces a new ATG start codon and so could affect translation due to uORF. The FBN1 5’-UTR doesn’t have any existing uAUGs so it is anticipated that creating one would be deleterious. The uORF would encode short peptide of 27 amino-acids. Luciferase assays would be required to confirm any detrimental effect on translation.